The following is an entry in ClinVar:

NM_001942.4(DSG1):c.2978G>A (p.Gly993Glu)

Genes: DSG1 (desmoglein 1; plus strand), DSG1-AS1 (DSG1 antisense RNA 1; minus strand). Cytogenetic location: 18q12.1.
Variant type: single nucleotide variant.
Coding change: c.2978G>A on transcript NM_001942.4 (MANE Select); coding-DNA position 2978, G replaced by A.
Protein change: p.Gly993Glu; replaces glycine 993 with glutamic acid.
Molecular consequence: missense variant.
Genome position (GRCh38, 1-based): chr18:31,355,174, G>A. VCF-style: chr18-31355174-G-A. GRCh37 (hg19) VCF-style: chr18-28935137-G-A.
Other names: short protein forms G993E.
Identifiers: ClinVar variation 2105863 (VCV002105863.4), dbSNP rs2510846456, ClinGen allele CA402125345.
Genomic context (GRCh38, chr18:31,355,174, plus strand): 5'-GCATAGGCAGCAGTGGCCTGGTTGGCACCAGCATGGGTGCTGGGAGCGGTGCCCTGAGTG[G>A]AGCTGGCATAAGTGGTGGTGGCATTGGCCTGAGCAGCTTGGGAGGGACAGCCAGCATTGG-3'
Protein context (NP_001933.2, residues 983-1003): SMGAGSGALS[Gly993Glu]AGISGGGIGL

ClinVar aggregate classification (germline): Uncertain significance (1 of 4 stars; one submission).

Allele frequency attached by ClinVar (database versions not stated): gnomAD exomes below 0.00001.
gnomAD v4.1: 1 of 1,605,072 alleles (0.000062%); highest among the groups gnomAD compares: African/African-American, 0.0013%; no homozygotes.

Submission:

Labcorp Genetics (formerly Invitae), Labcorp
Classification: Uncertain significance. Last evaluated: 2023-08-10. Review status: criteria provided, single submitter. Criteria: Invitae Variant Classification Sherloc (09022015). Collection method: clinical testing. Allele origin: germline.
Comment: This sequence change replaces glycine, which is neutral and non-polar, with glutamic acid, which is acidic and polar, at codon 993 of the DSG1 protein (p.Gly993Glu). This variant is not present in population databases (gnomAD no frequency). This variant has not been reported in the literature in individuals affected with DSG1-related conditions. ClinVar contains an entry for this variant (Variation ID: 2105863). Algorithms developed to predict the effect of missense changes on protein structure and function output the following: SIFT: "Not Available"; PolyPhen-2: "Benign"; Align-GVGD: "Not Available". The glutamic acid amino acid residue is found in multiple mammalian species, which suggests that this missense change does not adversely affect protein function. In summary, the available evidence is currently insufficient to determine the role of this variant in disease. Therefore, it has been classified as a Variant of Uncertain Significance.